The following is an entry in ClinVar:

ClinVar aggregate classification (germline): Likely pathogenic (1 of 4 stars; one submission).

Conditions:
Familial hypocalciuric hypercalcemia (FHH). Also called: Familial benign hypercalcemia. Identifiers: Orphanet 405, MedGen C1809471, MONDO:0018458.
Autosomal dominant hypocalcemia 1 (HYPOC1). Also called: HYPOCALCEMIA, FAMILIAL. Identifiers: MedGen C3715128, MONDO:0011013, OMIM 601198.

Submission:

Labcorp Genetics (formerly Invitae), Labcorp
Classification: Likely pathogenic for Familial hypocalciuric hypercalcemia; Autosomal dominant hypocalcemia 1. Last evaluated: 2022-06-24. Review status: criteria provided, single submitter. Criteria: Invitae Variant Classification Sherloc (09022015). Collection method: clinical testing. Allele origin: germline.
Comment: In summary, the currently available evidence indicates that the variant is pathogenic, but additional data are needed to prove that conclusively. Therefore, this variant has been classified as Likely Pathogenic. Algorithms developed to predict the effect of sequence changes on RNA splicing suggest that this variant may disrupt the consensus splice site. Disruption of this splice site has been observed in individual(s) with clinical features of familial hypocalciuric hypercalcaemia (PMID: 32347971). This variant is not present in population databases (gnomAD no frequency). This sequence change affects a donor splice site in intron 4 of the CASR gene. It is expected to disrupt RNA splicing. Variants that disrupt the donor or acceptor splice site typically lead to a loss of protein function (PMID: 16199547), and loss-of-function variants in CASR are known to be pathogenic (PMID: 11807402, 14985373, 22422767).

Literature cited by the submitters: PubMed 32347971; PubMed 16199547; PubMed 11807402; PubMed 14985373; PubMed 22422767.

NM_000388.4(CASR):c.1377+1G>A

Gene: CASR (calcium sensing receptor; plus strand). Cytogenetic location: 3q21.1.
Variant type: single nucleotide variant.
Coding change: c.1377+1G>A on transcript NM_000388.4 (MANE Select); the canonical splice donor site of the intron after coding-DNA position 1377, G replaced by A.
Molecular consequence: splice donor variant.
Genome position (GRCh38, 1-based): chr3:122,262,413, G>A. VCF-style: chr3-122262413-G-A. GRCh37 (hg19) VCF-style: chr3-121981260-G-A.
Other names: c.1377+1G>A (NM_001178065.2).
Identifiers: ClinVar variation 2100921 (VCV002100921.4), dbSNP rs2074639464, ClinGen allele CA354153441.